The following is an entry in ClinVar:

NM_000051.4(ATM):c.1870A>G (p.Met624Val)

Gene: ATM (ATM serine/threonine kinase; plus strand). Cytogenetic location: 11q22.3.
Variant type: single nucleotide variant.
Coding change: c.1870A>G on transcript NM_000051.4 (MANE Select); coding-DNA position 1870, A replaced by G.
Protein change: p.Met624Val; replaces methionine 624 with valine.
Molecular consequence: missense variant.
Genome position (GRCh38, 1-based): chr11:108,252,884, A>G. VCF-style: chr11-108252884-A-G. GRCh37 (hg19) VCF-style: chr11-108123611-A-G.
Other names: c.1870A>G, p.Met624Val (NM_001351834.2); short protein forms M624V.
Identifiers: ClinVar variation 216192 (VCV000216192.23), dbSNP rs863224557, ClinGen allele CA338610.

ClinVar aggregate classification (germline): Uncertain significance. Review status: criteria provided, multiple submitters, no conflicts (2 of 4 stars). 6 submissions from 6 submitters: Uncertain significance (6). Last evaluated 2025-11-10.

Conditions:
ATM-related cancer predisposition. Also called: ATM-related cancer susceptibility. Identifiers: MedGen CN377759, MONDO:0700270.
Hereditary cancer-predisposing syndrome. Also called: Hereditary neoplastic syndrome; Neoplastic Syndromes, Hereditary; Hereditary Cancer Syndrome; Tumor predisposition. Identifiers: Orphanet 140162, MedGen C0027672, MeSH D009386, MONDO:0015356.
Familial cancer of breast. Also called: Hereditary breast cancer; BREAST CANCER, FAMILIAL; hereditary breast carcinoma. Identifiers: Orphanet 227535, MedGen C0346153, MONDO:0016419, OMIM 114480. Disease mechanism: loss of function.
Ataxia-telangiectasia syndrome (AT). Also called: Ataxia telangiectasia (A-T); Cerebello-oculocutaneous telangiectasia; Immunodeficiency with ataxia telangiectasia; Ataxia-telangiectasia; Ataxia-telangiectasia, complementation group D; AT, COMPLEMENTATION GROUP C. Identifiers: Orphanet 100, MedGen C0004135, MONDO:0008840, OMIM 208900.

Allele frequency attached by ClinVar (database versions not stated): TOPMed 0.00001; gnomAD exomes below 0.00001; gnomAD 0.00001.

Submissions (6):

Labcorp Genetics (formerly Invitae), Labcorp
Classification: Uncertain significance for Ataxia-telangiectasia syndrome. Last evaluated: 2025-11-10. Review status: criteria provided, single submitter. Criteria: Invitae Variant Classification Sherloc (09022015). Collection method: clinical testing. Allele origin: germline.
Comment: This sequence change replaces methionine, which is neutral and non-polar, with valine, which is neutral and non-polar, at codon 624 of the ATM protein (p.Met624Val). This variant is present in population databases (no rsID available, gnomAD 0.01%). This variant has not been reported in the literature in individuals affected with ATM-related conditions. ClinVar contains an entry for this variant (Variation ID: 216192). Invitae Evidence Modeling of protein sequence and biophysical properties (such as structural, functional, and spatial information, amino acid conservation, physicochemical variation, residue mobility, and thermodynamic stability) indicates that this missense variant is not expected to disrupt ATM protein function with a negative predictive value of 95%. In summary, the available evidence is currently insufficient to determine the role of this variant in disease. Therefore, it has been classified as a Variant of Uncertain Significance.

Ambry Genetics
Classification: Uncertain significance for Hereditary cancer-predisposing syndrome. Last evaluated: 2025-06-25. Review status: criteria provided, single submitter. Criteria: Ambry Variant Classification Scheme 2023. Collection method: clinical testing. Allele origin: germline.
Comment: The p.M624V variant (also known as c.1870A>G), located in coding exon 11 of the ATM gene, results from an A to G substitution at nucleotide position 1870. The methionine at codon 624 is replaced by valine, an amino acid with highly similar properties. This amino acid position is highly conserved in available vertebrate species. In addition, this alteration is predicted to be tolerated by in silico analysis. Since supporting evidence is limited at this time, the clinical significance of this alteration remains unclear.

Department of Pathology and Laboratory Medicine, Sinai Health System
Classification: Uncertain significance for ATM-related cancer predisposition. Last evaluated: 2024-02-08. Review status: criteria provided, single submitter. Criteria: ACMG Guidelines, 2015. Collection method: clinical testing. Allele origin: germline. Affected: no.

Baylor Genetics
Classification: Uncertain significance for Familial cancer of breast. Last evaluated: 2023-05-05. Review status: criteria provided, single submitter. Criteria: ACMG Guidelines, 2015. Collection method: clinical testing. Allele origin: unknown.

GeneDx
Classification: Uncertain significance. Last evaluated: 2022-04-04. Review status: criteria provided, single submitter. Criteria: GeneDx Variant Classification Process June 2021. Collection method: clinical testing. Allele origin: germline. Affected: yes.
Comment: Not observed at significant frequency in large population cohorts (gnomAD); In silico analysis supports that this missense variant does not alter protein structure/function; Has not been previously published as pathogenic or benign to our knowledge

Color Diagnostics, LLC DBA Color Health
Classification: Uncertain significance for Hereditary cancer-predisposing syndrome. Last evaluated: 2020-11-16. Review status: criteria provided, single submitter. Criteria: ACMG Guidelines, 2015. Collection method: clinical testing. Allele origin: germline.
Comment: This missense variant replaces methionine with valine at codon 624 of the ATM protein. Computational prediction suggests that this variant may not impact protein structure and function (internally defined REVEL score threshold <= 0.5, PMID: 27666373). To our knowledge, functional studies have not been reported for this variant. This variant has not been reported in individuals affected with hereditary cancer in the literature. This variant has been identified in 1/250930 chromosomes in the general population by the Genome Aggregation Database (gnomAD). The available evidence is insufficient to determine the role of this variant in disease conclusively. Therefore, this variant is classified as a Variant of Uncertain Significance.